The following is an entry in ClinVar:

ClinVar aggregate classification (germline): Pathogenic/Likely pathogenic. Review status: criteria provided, multiple submitters, no conflicts (2 of 4 stars). 2 submissions from 2 submitters: Pathogenic (1); Likely pathogenic (1). Last evaluated 2024-05-27.

Conditions:
Multiple acyl-CoA dehydrogenase deficiency (MADD). Also called: Glutaric Acidemia type 2; ETHYLMALONIC-ADIPICACIDURIA; GA II; Glutaric acidemia type II; GA 2; Glutaric aciduria, type 2. Identifiers: Orphanet 26791, MedGen C0268596, MONDO:0009282, OMIM 231680.

Submissions (2):

Labcorp Genetics (formerly Invitae), Labcorp
Classification: Pathogenic for Multiple acyl-CoA dehydrogenase deficiency. Last evaluated: 2024-05-27. Review status: criteria provided, single submitter. Criteria: Invitae Variant Classification Sherloc (09022015). Collection method: clinical testing. Allele origin: germline.
Comment: This sequence change creates a premature translational stop signal (p.Thr419Valfs*9) in the ETFDH gene. It is expected to result in an absent or disrupted protein product. Loss-of-function variants in ETFDH are known to be pathogenic (PMID: 16510302, 23785301). This variant is present in population databases (no rsID available, gnomAD 0.0009%). This premature translational stop signal has been observed in individual(s) with multiple Acyl-CoA dehydrogenase deficiency (PMID: 21347544). This variant is also known as c.1254-1257del (p.Leu418ThrfsX10). ClinVar contains an entry for this variant (Variation ID: 1192222). For these reasons, this variant has been classified as Pathogenic.

Women's Health and Genetics/Laboratory Corporation of America, LabCorp
Classification: Likely pathogenic for Multiple acyl-CoA dehydrogenase deficiency. Last evaluated: 2021-07-20. Review status: criteria provided, single submitter. Criteria: LabCorp Variant Classification Summary - May 2015. Collection method: clinical testing. Allele origin: germline.
Comment: Variant summary: ETFDH c.1255_1258delACTA (p.Thr419ValfsX9) results in a premature termination codon, predicted to cause a truncation of the encoded protein or absence of the protein due to nonsense mediated decay, which are commonly known mechanisms for disease. Truncations downstream of this position have been not been classified as pathogenic by our laboratory but have been observed in the HGMD database. The variant allele was found at a frequency of 4e-06 in 251006 control chromosomes. c.1255_1258delACTA has been reported in the literature as c.1254_1257del in at-least one Chinese individual affected with Glutaric Aciduria, Type 2c [Multiple acyl-CoA dehydrogenase deficiency (MADD), Wang_2011 and Grunert_2014] and has been subsequently cited by others (example, Zhu_2014, Chen_2019). To our knowledge, no experimental evidence demonstrating an impact on protein function has been reported. No clinical diagnostic laboratories have submitted clinical-significance assessments for this variant to ClinVar after 2014. Based on the evidence outlined above, the variant was classified as likely pathogenic.

Literature cited by the submitters: PubMed 16510302 (cited by Labcorp Genetics (formerly Invitae), Labcorp); PubMed 23785301 (cited by Labcorp Genetics (formerly Invitae), Labcorp); PubMed 21347544 (cited by Labcorp Genetics (formerly Invitae), Labcorp); PubMed 31852447 (cited by Women's Health and Genetics/Laboratory Corporation of America, LabCorp); PubMed 25200064 (cited by Women's Health and Genetics/Laboratory Corporation of America, LabCorp); PubMed 24522293 (cited by Women's Health and Genetics/Laboratory Corporation of America, LabCorp).

NM_004453.4(ETFDH):c.1255_1258del (p.Thr419fs)

Gene: ETFDH (electron transfer flavoprotein dehydrogenase; plus strand). Cytogenetic location: 4q32.1.
Variant type: Microsatellite.
Coding change: c.1255_1258del on transcript NM_004453.4 (MANE Select); coding-DNA positions 1255 to 1258, 4 bases deleted (ACTA; older notation c.1255_1258delACTA).
Protein change: p.Thr419fs; shifts the reading frame from threonine 419.
Molecular consequence: frameshift variant.
Genome position (GRCh38, 1-based): chr4:158,703,561-158,703,564, ACTA deleted; deleting any 4 consecutive bases within chr4:158,703,556-158,703,564 gives the same sequence; the c. name uses the placement nearest the transcript's 3' end. VCF-style (leftmost placement, unchanged base first): chr4-158703555-CAACT-C. GRCh37 (hg19) VCF-style: chr4-159624707-CAACT-C.
Other names: c.1114_1117del, p.Thr372fs (NM_001281737.2); c.1072_1075del, p.Thr358fs (NM_001281738.1); short protein forms T358fs, T372fs, T419fs.
Identifiers: ClinVar variation 1192222 (VCV001192222.9), dbSNP rs1480647123, ClinGen allele CA555972635.